The following is an entry in ClinVar:

NM_182914.3(SYNE2):c.475G>T (p.Val159Phe)

Gene: SYNE2 (spectrin repeat containing nuclear envelope protein 2; plus strand). Cytogenetic location: 14q23.2.
Variant type: single nucleotide variant.
Coding change: c.475G>T on transcript NM_182914.3 (MANE Select); coding-DNA position 475, G replaced by T.
Protein change: p.Val159Phe; replaces valine 159 with phenylalanine.
Molecular consequence: missense variant.
Genome position (GRCh38, 1-based): chr14:63,949,891, G>T. VCF-style: chr14-63949891-G-T. GRCh37 (hg19) VCF-style: chr14-64416609-G-T.
Other names: c.475G>T, p.Val159Phe (NM_015180.6); short protein forms V159F.
Identifiers: ClinVar variation 566969 (VCV000566969.8), dbSNP rs1323596481, ClinGen allele CA389938971.

ClinVar aggregate classification (germline): Uncertain significance. Review status: criteria provided, multiple submitters, no conflicts (2 of 4 stars). 2 submissions from 2 submitters: Uncertain significance (2). Last evaluated 2021-09-02.

Conditions:
Emery-Dreifuss muscular dystrophy 5, autosomal dominant (EDMD5). Also called: EMERY-DREIFUSS MUSCULAR DYSTROPHY 5. Identifiers: Orphanet 261, MedGen C2751805, MONDO:0013072, OMIM 612999.

Allele frequency attached by ClinVar (database versions not stated): gnomAD exomes below 0.00001 and 0.00003; TOPMed below 0.00001.
gnomAD v4.1: 46 of 1,614,118 alleles (0.0028%); highest among the groups gnomAD compares: Non-Finnish European, 0.0038%; no homozygotes.

Submissions (2):

Labcorp Genetics (formerly Invitae), Labcorp
Classification: Uncertain significance for Emery-Dreifuss muscular dystrophy 5, autosomal dominant. Last evaluated: 2021-09-02. Review status: criteria provided, single submitter. Criteria: Invitae Variant Classification Sherloc (09022015). Collection method: clinical testing. Allele origin: germline.
Comment: This sequence change replaces valine with phenylalanine at codon 159 of the SYNE2 protein (p.Val159Phe). The valine residue is weakly conserved and there is a small physicochemical difference between valine and phenylalanine. This variant is not present in population databases (ExAC no frequency). This variant has not been reported in the literature in individuals affected with SYNE2-related conditions. Algorithms developed to predict the effect of missense changes on protein structure and function are either unavailable or do not agree on the potential impact of this missense change (SIFT: "Deleterious"; PolyPhen-2: "Possibly Damaging"; Align-GVGD: "Class C0"). In summary, the available evidence is currently insufficient to determine the role of this variant in disease. Therefore, it has been classified as a Variant of Uncertain Significance.

Revvity Omics, Revvity
Classification: Uncertain significance for Emery-Dreifuss muscular dystrophy 5, autosomal dominant. Last evaluated: 2019-06-19. Review status: criteria provided, single submitter. Criteria: ACMG Guidelines, 2015. Collection method: clinical testing. Allele origin: germline.